The following is an entry in ClinVar:

ClinVar aggregate classification (germline): Uncertain significance. Review status: criteria provided, multiple submitters, no conflicts (2 of 4 stars). 2 submissions from 2 submitters: Uncertain significance (2). Last evaluated 2025-07-12.

Conditions:
Hereditary cancer-predisposing syndrome. Also called: Neoplastic Syndromes, Hereditary; Hereditary neoplastic syndrome; Hereditary Cancer Syndrome; Tumor predisposition. Identifiers: Orphanet 140162, MedGen C0027672, MeSH D009386, MONDO:0015356.
Birt-Hogg-Dube syndrome. Also called: Birt Hogg Dubé syndrome. Identifiers: Orphanet 122, MedGen C0346010, MONDO:0800444.

gnomAD v4.1: 2 of 1,613,418 alleles (0.00012%); highest among the groups gnomAD compares: Non-Finnish European, 0.000085%; no homozygotes.

Submissions (2):

Ambry Genetics
Classification: Uncertain significance for Hereditary cancer-predisposing syndrome. Last evaluated: 2025-07-12. Review status: criteria provided, single submitter. Criteria: Ambry Variant Classification Scheme 2023. Collection method: clinical testing. Allele origin: germline.
Comment: The p.N184S variant (also known as c.551A>G), located in coding exon 3 of the FLCN gene, results from an A to G substitution at nucleotide position 551. The asparagine at codon 184 is replaced by serine, an amino acid with highly similar properties. This amino acid position is conserved. In addition, this alteration is predicted to be tolerated by in silico analysis. Based on the available evidence, the clinical significance of this variant remains unclear.

Labcorp Genetics (formerly Invitae), Labcorp
Classification: Uncertain significance for Birt-Hogg-Dube syndrome. Last evaluated: 2022-06-07. Review status: criteria provided, single submitter. Criteria: Invitae Variant Classification Sherloc (09022015). Collection method: clinical testing. Allele origin: germline.
Comment: This sequence change replaces asparagine, which is neutral and polar, with serine, which is neutral and polar, at codon 184 of the FLCN protein (p.Asn184Ser). This variant is not present in population databases (gnomAD no frequency). This variant has not been reported in the literature in individuals affected with FLCN-related conditions. Algorithms developed to predict the effect of missense changes on protein structure and function output the following: SIFT: "Deleterious"; PolyPhen-2: "Benign"; Align-GVGD: "Class C45". The serine amino acid residue is found in multiple mammalian species, which suggests that this missense change does not adversely affect protein function. In summary, the available evidence is currently insufficient to determine the role of this variant in disease. Therefore, it has been classified as a Variant of Uncertain Significance.

NM_144997.7(FLCN):c.551A>G (p.Asn184Ser)

Gene: FLCN (folliculin; minus strand). Cytogenetic location: 17p11.2.
Variant type: single nucleotide variant.
Coding change: c.551A>G on transcript NM_144997.7 (MANE Select); coding-DNA position 551, A replaced by G.
Protein change: p.Asn184Ser; replaces asparagine 184 with serine.
Molecular consequence: missense variant.
Genome position (GRCh38, 1-based): chr17:17,223,989, T>C on the plus strand (A>G on the coding strand, the complement: FLCN is on the minus strand). VCF-style: chr17-17223989-T-C. GRCh37 (hg19) VCF-style: chr17-17127303-T-C.
Other names: c.605A>G, p.Asn202Ser (NM_001353229.2); c.551A>G, p.Asn184Ser (NM_001353230.2, NM_001353231.2, NM_144606.7); short protein forms N184S, N202S.
Identifiers: ClinVar variation 2167468 (VCV002167468.5), dbSNP rs1468227944, ClinGen allele CA398534305.